The following is an entry in ClinVar:

NM_015570.4(AUTS2):c.1531G>A (p.Gly511Arg)

Gene: AUTS2 (activator of transcription and developmental regulator AUTS2; plus strand). Cytogenetic location: 7q11.22.
Variant type: single nucleotide variant.
Coding change: c.1531G>A on transcript NM_015570.4 (MANE Select); coding-DNA position 1531, G replaced by A.
Protein change: p.Gly511Arg; replaces glycine 511 with arginine.
Molecular consequence: missense variant.
Genome position (GRCh38, 1-based): chr7:70,766,176, G>A. VCF-style: chr7-70766176-G-A. GRCh37 (hg19) VCF-style: chr7-70231162-G-A.
Other names: p.Gly511Arg; c.1531G>A (NM_015570.2); c.1531G>A, p.Gly511Arg (NM_001127231.3); short protein forms G511R.
Identifiers: ClinVar variation 1803783 (VCV001803783.5), dbSNP rs2484682263, ClinGen allele CA367668776.

ClinVar aggregate classification (germline): Conflicting classifications of pathogenicity. Review status: criteria provided, conflicting classifications (1 of 4 stars). 2 submissions from 2 submitters: Pathogenic (1); Uncertain significance (1). Last evaluated 2026-06-04.

Conditions:
Autism spectrum disorder due to AUTS2 deficiency (MRD26). Also called: INTELLECTUAL DEVELOPMENTAL DISORDER, AUTOSOMAL DOMINANT 26. Identifiers: Orphanet 352490, MedGen C4014435, MONDO:0014361, OMIM 615834.

Allele frequency attached by ClinVar (database versions not stated): gnomAD exomes below 0.00001.
gnomAD v4.1: 4 of 1,614,122 alleles (0.00025%); highest among the groups gnomAD compares: Non-Finnish European, 0.00034%; no homozygotes.

Submissions (2):

GeneDx
Classification: Uncertain significance. Last evaluated: 2026-06-04. Review status: criteria provided, single submitter. Criteria: GeneDx Variant Classification Process June 2021. Collection method: clinical testing. Allele origin: germline.
Comment: Not observed at significant frequency in large population cohorts (gnomAD); In silico analysis supports that this missense variant has a deleterious effect on protein structure/function; Has not been previously published as pathogenic or benign to our knowledge

Foundation for Research in Genetics and Endocrinology, FRIGE's Institute of Human Genetics
Classification: Pathogenic for Autism spectrum disorder due to AUTS2 deficiency. Last evaluated: 2021-09-01. Review status: criteria provided, single submitter. Criteria: ACMG Guidelines, 2015. Collection method: research. Allele origin: de novo. Inheritance: Autosomal dominant inheritance. Affected: yes. Observed: 1 heterozygote.
Comment: A heterozygous missense variation in exon 9 of the AUTS2 gene that results in the amino acid substitution of Arginine for Glycine at codon 511 was detected. The observed variant c.1531G>A (p.Gly511Arg) has not been reported in the 1000 genomes and gnomAD databases. The in silico prediction of the variant are probably damaging by PolyPhen-2 (HumDiv) and damaging by SIFT, LRT and MutationTaster2. The reference codon is conserved across species. Segregation analysis showed the variant to be de novo. In summary, the variant meets our criteria to be classified as pathogenic.